The following is an entry in ClinVar:

ClinVar aggregate classification (germline): Uncertain significance (1 of 4 stars; one submission).

Allele frequency attached by ClinVar (database versions not stated): gnomAD exomes 0.00001; gnomAD 0.00002; TOPMed 0.00002.
gnomAD v4.1: 15 of 1,613,978 alleles (0.00093%); highest among the groups gnomAD compares: Non-Finnish European, 0.0012%; no homozygotes.

Submission:

Labcorp Genetics (formerly Invitae), Labcorp
Classification: Uncertain significance. Last evaluated: 2022-06-13. Review status: criteria provided, single submitter. Criteria: Invitae Variant Classification Sherloc (09022015). Collection method: clinical testing. Allele origin: germline.
Comment: This variant is present in population databases (no rsID available, gnomAD 0.007%). In summary, the available evidence is currently insufficient to determine the role of this variant in disease. Therefore, it has been classified as a Variant of Uncertain Significance. Algorithms developed to predict the effect of missense changes on protein structure and function (SIFT, PolyPhen-2, Align-GVGD) all suggest that this variant is likely to be tolerated. This variant has not been reported in the literature in individuals affected with TRPM1-related conditions. This sequence change replaces isoleucine, which is neutral and non-polar, with threonine, which is neutral and polar, at codon 1581 of the TRPM1 protein (p.Ile1581Thr).

NM_001252024.2(TRPM1):c.4808T>C (p.Ile1603Thr)

Gene: TRPM1 (transient receptor potential cation channel subfamily M member 1; minus strand). Cytogenetic location: 15q13.3.
Variant type: single nucleotide variant.
Coding change: c.4808T>C on transcript NM_001252024.2 (MANE Select); coding-DNA position 4808, T replaced by C.
Protein change: p.Ile1603Thr; replaces isoleucine 1603 with threonine.
Molecular consequence: missense variant.
Genome position (GRCh38, 1-based): chr15:31,001,892, A>G on the plus strand (T>C on the coding strand, the complement: TRPM1 is on the minus strand). VCF-style: chr15-31001892-A-G. GRCh37 (hg19) VCF-style: chr15-31294095-A-G.
Other names: c.4859T>C, p.Ile1620Thr (NM_001252020.2); c.4742T>C, p.Ile1581Thr (NM_002420.6); short protein forms I1581T, I1620T, I1603T.
Identifiers: ClinVar variation 2005464 (VCV002005464.4), dbSNP rs1275827922, ClinGen allele CA391520903.